The following is an entry in ClinVar:

ClinVar aggregate classification (germline): Uncertain significance (0 of 4 stars; one submission).

Conditions:
DNAH11-related disorder. Also called: DNAH11-related condition.

Submission:

PreventionGenetics, part of Exact Sciences
Classification: Uncertain significance for DNAH11-related condition. Last evaluated: 2024-01-17. Review status: no assertion criteria provided. Collection method: clinical testing. Allele origin: germline.
Comment: The DNAH11 c.7267-808_7267-807insCTTGGGCATCACTGGTCCAGGTCATCCTGTGGA variant is predicted to result in an in-frame amino acid insertion (Intronic). To our knowledge, this variant has not been reported in the literature or in a large population database, indicating this variant is rare. At this time, the clinical significance of this variant is uncertain due to the absence of conclusive functional and genetic evidence.

NM_001277115.2(DNAH11):c.7267-808_7267-807insCTTGGGCATCACTGGTCCAGGTCATCCTGTGGA

Gene: DNAH11 (dynein axonemal heavy chain 11; plus strand). Cytogenetic location: 7p15.3.
Variant type: Insertion.
Coding change: c.7267-808_7267-807insCTTGGGCATCACTGGTCCAGGTCATCCTGTGGA on transcript NM_001277115.2 (MANE Select); 808 bases into the intron before coding-DNA position 7267 through 807 bases into the intron before coding-DNA position 7267, CTTGGGCATCACTGGTCCAGGTCATCCTGTGGA inserted.
Molecular consequence: intron variant.
Genome position: GRCh38: chr7:21,725,003-21,725,004. GRCh37 (hg19): chr7:21,764,621-21,764,622.
Identifiers: ClinVar variation 3352649 (VCV003352649.1).